The following is an entry in ClinVar:

ClinVar aggregate classification (germline): Pathogenic (1 of 4 stars; one submission).

Conditions:
8q24.3 microdeletion syndrome. Also called: Verheij syndrome; CHROMOSOME 8q24.3 DELETION SYNDROME. Identifiers: Orphanet 508488, MedGen C3810023, MONDO:0014263, OMIM 615583.

Submission:

Labcorp Genetics (formerly Invitae), Labcorp
Classification: Pathogenic. Last evaluated: 2017-09-16. Review status: criteria provided, single submitter. Criteria: Invitae Variant Classification Sherloc (09022015). Collection method: clinical testing. Allele origin: germline.
Comment: This variant is not present in population databases (ExAC no frequency). This variant has not been reported in the literature in individuals with PUF60-related disease. Algorithms developed to predict the effect of sequence changes on RNA splicing suggest that this variant may disrupt the consensus splice site, but this prediction has not been confirmed by published transcriptional studies. Loss-of-function variants in PUF60 are known to be pathogenic (PMID: 27804958, 28327570). For these reasons, this variant has been classified as Pathogenic. This sequence change creates a premature translational stop signal (p.Lys168Argfs*21) in the PUF60 gene. It is expected to result in an absent or disrupted protein product.

Literature cited by the submitters: PubMed 27804958 (cited by Labcorp Genetics (formerly Invitae), Labcorp); PubMed 28327570 (cited by Labcorp Genetics (formerly Invitae), Labcorp).

NM_078480.3(PUF60):c.503_509del (p.Lys168fs)

Gene: PUF60 (poly(U) binding splicing factor 60; minus strand). Cytogenetic location: 8q24.3.
Variant type: Deletion.
Coding change: c.503_509del on transcript NM_078480.3 (MANE Select); coding-DNA positions 503 to 509, 7 bases deleted (AGCACAA; older notation c.503_509delAGCACAA).
Protein change: p.Lys168fs; shifts the reading frame from lysine 168.
Molecular consequence: frameshift variant.
Genome position (GRCh38, 1-based): chr8:143,818,374-143,818,380, TTGTGCT deleted on the plus strand (AGCACAA on the coding strand, the reverse complement: PUF60 is on the minus strand); deleting any 7 consecutive bases within chr8:143,818,374-143,818,381 gives the same sequence; the c. name uses the placement nearest the transcript's 3' end. VCF-style (leftmost placement, unchanged base first): chr8-143818373-CTTGTGCT-C. GRCh37 (hg19) VCF-style: chr8-144900543-CTTGTGCT-C.
Other names: c.374_380del, p.Lys125fs (NM_001136033.3); c.449_455del, p.Lys150fs (NM_001271096.2); c.365_371del, p.Lys122fs (NM_001271097.2); c.500_506del, p.Lys167fs (NM_001271098.2); c.416_422del, p.Lys139fs (NM_001271099.2); c.323_329del, p.Lys108fs (NM_001271100.2); c.614_620del, p.Lys205fs (NM_001362895.2, NM_001362896.2); c.563_569del, p.Lys188fs (NM_001362897.2); and 1 more; short protein forms K205fs, K122fs, K139fs, K151fs, K188fs, K125fs, K168fs, K108fs.
Identifiers: ClinVar variation 585122 (VCV000585122.8), dbSNP rs1563825893, ClinGen allele CA891842957.